The following is an entry in ClinVar:

ClinVar aggregate classification (germline): Benign/Likely benign. Review status: criteria provided, multiple submitters, no conflicts (2 of 4 stars). 2 submissions from 2 submitters: Benign (1); Likely benign (1). Last evaluated 2025-02-26.

Conditions:
Hereditary cancer-predisposing syndrome. Also called: Neoplastic Syndromes, Hereditary; Hereditary neoplastic syndrome; Tumor predisposition; Hereditary Cancer Syndrome. Identifiers: Orphanet 140162, MedGen C0027672, MeSH D009386, MONDO:0015356.
Multiple endocrine neoplasia type 2A. Also called: Multiple Endocrine Neoplasia Type 2A (MEN2A); MULTIPLE ENDOCRINE NEOPLASIA, TYPE IIA; PTC SYNDROME; SIPPLE SYNDROME; MEN 2A; MEN-2A syndrome. Identifiers: Orphanet 247698, Orphanet 653, MedGen C0025268, MeSH D018813, MONDO:0008234, OMIM 171400.

gnomAD v4.1: 4 of 1,612,856 alleles (0.00025%); highest among the groups gnomAD compares: Non-Finnish European, 0.00025%; no homozygotes.

Submissions (2):

Myriad Genetics, Inc.
Classification: Benign for Multiple endocrine neoplasia type 2A. Last evaluated: 2025-02-26. Review status: criteria provided, single submitter. Criteria: Myriad Autosomal Dominant, Autosomal Recessive and X-Linked Classification Criteria (2023). Collection method: clinical testing. Allele origin: unknown.
Comment: This variant is considered benign. This variant is a silent/synonymous amino acid change and it is not expected to impact splicing.

Ambry Genetics
Classification: Likely benign for Hereditary cancer-predisposing syndrome. Last evaluated: 2023-02-28. Review status: criteria provided, single submitter. Criteria: Ambry Variant Classification Scheme 2023. Collection method: clinical testing. Allele origin: germline.

NM_020975.6(RET):c.2052G>T (p.Pro684=)

Gene: RET (ret proto-oncogene; plus strand). Cytogenetic location: 10q11.21.
Variant type: single nucleotide variant.
Coding change: c.2052G>T on transcript NM_020975.6 (MANE Select); coding-DNA position 2052, G replaced by T.
Protein change: p.Pro684=; no amino-acid change (proline 684 retained).
Molecular consequence: synonymous variant.
Genome position (GRCh38, 1-based): chr10:43,114,652, G>T. VCF-style: chr10-43114652-G-T. GRCh37 (hg19) VCF-style: chr10-43610100-G-T.
Other names: c.2052G>T, p.Pro684= (NM_000323.2, NM_001406743.1, NM_001406744.1 and 4 more transcripts); c.1290G>T, p.Pro430= (NM_001355216.2); c.1923G>T, p.Pro641= (NM_001406761.1, NM_001406762.1, NM_001406764.1); c.1917G>T, p.Pro639= (NM_001406763.1, NM_001406765.1); c.1764G>T, p.Pro588= (NM_001406766.1, NM_001406767.1, NM_001406770.1); c.1788G>T, p.Pro596= (NM_001406768.1); c.1656G>T, p.Pro552= (NM_001406769.1, NM_001406772.1); c.1614G>T, p.Pro538= (NM_001406771.1, NM_001406773.1); and 10 more.
Identifiers: ClinVar variation 2454154 (VCV002454154.3), dbSNP rs145122337, ClinGen allele CA469479923.
Genomic context (GRCh38, chr10:43,114,652, plus strand): 5'-CCACAAGCCACCCATCTCCTCAGCTGAGATGACCTTCCGGAGGCCCGCCCAGGCCTTCCC[G>T]GTCAGCTACTCCTCTTCCGGTGCCCGCCGGCCCTCGCTGGACTCCATGGAGAACCAGGTC-3'
Protein context (NP_066124.1, residues 674-694): MTFRRPAQAF[Pro684=]VSYSSSGARR